The following is an entry in ClinVar:

ClinVar aggregate classification (germline): Uncertain significance (1 of 4 stars; one submission).

Conditions:
KBG syndrome (KBGS). Also called: ANKRD11-Related KBG Syndrome. Identifiers: Orphanet 2332, MedGen C0220687, MONDO:0007846, OMIM 148050.

Submission:

Labcorp Genetics (formerly Invitae), Labcorp
Classification: Uncertain significance for KBG syndrome. Last evaluated: 2024-03-17. Review status: criteria provided, single submitter. Criteria: Invitae Variant Classification Sherloc (09022015). Collection method: clinical testing. Allele origin: germline.
Comment: This sequence change replaces valine, which is neutral and non-polar, with alanine, which is neutral and non-polar, at codon 2511 of the ANKRD11 protein (p.Val2511Ala). This variant is not present in population databases (gnomAD no frequency). This variant has not been reported in the literature in individuals affected with ANKRD11-related conditions. Advanced modeling of protein sequence and biophysical properties (such as structural, functional, and spatial information, amino acid conservation, physicochemical variation, residue mobility, and thermodynamic stability) performed at Invitae indicates that this missense variant is expected to disrupt ANKRD11 protein function with a positive predictive value of 80%. In summary, the available evidence is currently insufficient to determine the role of this variant in disease. Therefore, it has been classified as a Variant of Uncertain Significance.

NM_013275.6(ANKRD11):c.7532T>C (p.Val2511Ala)

Gene: ANKRD11 (ankyrin repeat domain 11; minus strand). Cytogenetic location: 16q24.3.
Variant type: single nucleotide variant.
Coding change: c.7532T>C on transcript NM_013275.6 (MANE Select); coding-DNA position 7532, T replaced by C.
Protein change: p.Val2511Ala; replaces valine 2511 with alanine.
Molecular consequence: missense variant.
Genome position (GRCh38, 1-based): chr16:89,275,130, A>G on the plus strand (T>C on the coding strand, the complement: ANKRD11 is on the minus strand). VCF-style: chr16-89275130-A-G. GRCh37 (hg19) VCF-style: chr16-89341538-A-G.
Other names: c.7532T>C, p.Val2511Ala (NM_001256182.2, NM_001256183.2); short protein forms V2511A.
Identifiers: ClinVar variation 3638714 (VCV003638714.2).